The following is an entry in ClinVar:

ClinVar aggregate classification (germline): Uncertain significance (1 of 4 stars; one submission).

Allele frequency attached by ClinVar (database versions not stated): gnomAD exomes below 0.00001; ExAC 0.00002; gnomAD 0.00002; TOPMed 0.00005; ESP Exome Variant Server 0.00023.
gnomAD v4.1: 7 of 1,613,480 alleles (0.00043%); highest among the groups gnomAD compares: African/African-American, 0.008%; no homozygotes.

Submission:

Labcorp Genetics (formerly Invitae), Labcorp
Classification: Uncertain significance. Last evaluated: 2022-10-13. Review status: criteria provided, single submitter. Criteria: Invitae Variant Classification Sherloc (09022015). Collection method: clinical testing. Allele origin: germline.
Comment: This variant is present in population databases (rs150971445, gnomAD 0.01%). This sequence change replaces lysine, which is basic and polar, with threonine, which is neutral and polar, at codon 129 of the RP9 protein (p.Lys129Thr). This variant has not been reported in the literature in individuals affected with RP9-related conditions. Algorithms developed to predict the effect of missense changes on protein structure and function are either unavailable or do not agree on the potential impact of this missense change (SIFT: "Tolerated"; PolyPhen-2: "Possibly Damaging"; Align-GVGD: "Class C0"). In summary, the available evidence is currently insufficient to determine the role of this variant in disease. Therefore, it has been classified as a Variant of Uncertain Significance.

NM_203288.2(RP9):c.386A>C (p.Lys129Thr)

Gene: RP9 (RP9 pre-mRNA splicing factor; minus strand). Cytogenetic location: 7p14.3.
Variant type: single nucleotide variant.
Coding change: c.386A>C on transcript NM_203288.2 (MANE Select); coding-DNA position 386, A replaced by C.
Protein change: p.Lys129Thr; replaces lysine 129 with threonine.
Molecular consequence: missense variant.
Genome position (GRCh38, 1-based): chr7:33,097,290, T>G on the plus strand (A>C on the coding strand, the complement: RP9 is on the minus strand). VCF-style: chr7-33097290-T-G. GRCh37 (hg19) VCF-style: chr7-33136902-T-G.
Other names: short protein forms K129T.
Identifiers: ClinVar variation 1937721 (VCV001937721.5), dbSNP rs150971445, ClinGen allele CA4213740.